The following is an entry in ClinVar:

NM_000094.4(COL7A1):c.6206G>A (p.Arg2069His)

Gene: COL7A1 (collagen type VII alpha 1 chain; minus strand). Cytogenetic location: 3p21.31.
Variant type: single nucleotide variant.
Coding change: c.6206G>A on transcript NM_000094.4 (MANE Select); coding-DNA position 6206, G replaced by A.
Protein change: p.Arg2069His; replaces arginine 2069 with histidine.
Molecular consequence: missense variant.
Genome position (GRCh38, 1-based): chr3:48,575,217, C>T on the plus strand (G>A on the coding strand, the complement: COL7A1 is on the minus strand). VCF-style: chr3-48575217-C-T. GRCh37 (hg19) VCF-style: chr3-48612650-C-T.
Other names: short protein forms R2069H.
Identifiers: ClinVar variation 1488426 (VCV001488426.5), dbSNP rs773938350, ClinGen allele CA2379161.

ClinVar aggregate classification (germline): Uncertain significance. Review status: criteria provided, multiple submitters, no conflicts (2 of 4 stars). 2 submissions from 2 submitters: Uncertain significance (2). Last evaluated 2025-02-10.

Allele frequency attached by ClinVar (database versions not stated): ExAC 0.00003; TOPMed 0.00007; gnomAD exomes 0.00003; gnomAD 0.00005.
gnomAD v4.1: 50 of 1,613,950 alleles (0.0031%); highest among the groups gnomAD compares: Admixed American, 0.012%; no homozygotes.

Submissions (2):

Women's Health and Genetics/Laboratory Corporation of America, LabCorp
Classification: Uncertain significance. Last evaluated: 2025-02-10. Review status: criteria provided, single submitter. Criteria: LabCorp Variant Classification Summary - May 2015. Collection method: clinical testing. Allele origin: germline.
Comment: Variant summary: COL7A1 c.6206G>A (p.Arg2069His) results in a non-conservative amino acid change in the encoded protein sequence. Four of five in-silico tools predict a damaging effect of the variant on protein function. The variant allele was found at a frequency of 2.8e-05 in 251388 control chromosomes. The available data on variant occurrences in the general population are insufficient to allow any conclusion about variant significance. To our knowledge, no occurrence of c.6206G>A in individuals affected with Dystrophic Epidermolysis Bullosa, Recessive and no experimental evidence demonstrating its impact on protein function have been reported. A different variant affecting the same codon has been classified as pathogenic by our lab (c.6205C>T,p.Arg2069Cys), supporting the critical relevance of codon 2069 to COL7A1 protein function. ClinVar contains an entry for this variant (Variation ID: 1488426). Based on the evidence outlined above, the variant was classified as uncertain significance.

Labcorp Genetics (formerly Invitae), Labcorp
Classification: Uncertain significance. Last evaluated: 2024-11-09. Review status: criteria provided, single submitter. Criteria: Invitae Variant Classification Sherloc (09022015). Collection method: clinical testing. Allele origin: germline.
Comment: This sequence change replaces arginine, which is basic and polar, with histidine, which is basic and polar, at codon 2069 of the COL7A1 protein (p.Arg2069His). This variant is present in population databases (rs773938350, gnomAD 0.006%). This variant has not been reported in the literature in individuals affected with COL7A1-related conditions. ClinVar contains an entry for this variant (Variation ID: 1488426). Invitae Evidence Modeling of protein sequence and biophysical properties (such as structural, functional, and spatial information, amino acid conservation, physicochemical variation, residue mobility, and thermodynamic stability) indicates that this missense variant is not expected to disrupt COL7A1 protein function with a negative predictive value of 95%. This variant disrupts the p.Arg2069 amino acid residue in COL7A1. Other variant(s) that disrupt this residue have been determined to be pathogenic (PMID: 12787275, 22266148, 28830826). This suggests that this residue is clinically significant, and that variants that disrupt this residue are likely to be disease-causing. In summary, the available evidence is currently insufficient to determine the role of this variant in disease. Therefore, it has been classified as a Variant of Uncertain Significance.

Literature cited by the submitters: PubMed 12787275 (cited by Labcorp Genetics (formerly Invitae), Labcorp); PubMed 22266148 (cited by Labcorp Genetics (formerly Invitae), Labcorp); PubMed 28830826 (cited by Labcorp Genetics (formerly Invitae), Labcorp).